The following is an entry in ClinVar:

NM_018124.4(RFWD3):c.46C>T (p.His16Tyr)

Gene: RFWD3 (ring finger and WD repeat domain 3; minus strand). Cytogenetic location: 16q23.1.
Variant type: single nucleotide variant.
Coding change: c.46C>T on transcript NM_018124.4 (MANE Select); coding-DNA position 46, C replaced by T.
Protein change: p.His16Tyr; replaces histidine 16 with tyrosine.
Molecular consequence: missense variant. On other transcripts: 5 prime UTR variant (4), intron variant (1).
Genome position (GRCh38, 1-based): chr16:74,661,404, G>A on the plus strand (C>T on the coding strand, the complement: RFWD3 is on the minus strand). VCF-style: chr16-74661404-G-A. GRCh37 (hg19) VCF-style: chr16-74695302-G-A.
Other names: c.46C>T, p.His16Tyr (NM_001370534.1, NM_001370535.1, NM_001370536.1); c.-963C>T (NM_001370537.1); c.-586C>T (NM_001370539.1, NM_001370541.1); c.-840C>T (NM_001370542.1); c.-718C>T (NM_001370543.1); c.-317+3220C>T (NM_001370540.1); short protein forms H16Y.
Identifiers: ClinVar variation 2089314 (VCV002089314.4), dbSNP rs775103807, ClinGen allele CA8169670.
Genomic context (GRCh38, chr16:74,661,404, plus strand): 5'-GGAGGGCTGGTCCCCCTTGGCTGCTGGCCATGCCAGCAGGAGCTGGCTGTTGTTCGGCAT[G>A]ATTTAACTGCACCTGAACATCATATTCCATTGCTTCATGAGCCATCACTAGAGAAACAGT-3'
Protein context (NP_060594.3, residues 6-26): MEYDVQVQLN[His16Tyr]AEQQPAPAGM

ClinVar aggregate classification (germline): Uncertain significance (1 of 4 stars; one submission).

Allele frequency attached by ClinVar (database versions not stated): gnomAD exomes 0.00001; ExAC 0.00003.
gnomAD v4.1: 3 of 1,613,866 alleles (0.00019%); highest among the groups gnomAD compares: Admixed American, 0.005%; no homozygotes.

Submission:

Labcorp Genetics (formerly Invitae), Labcorp
Classification: Uncertain significance. Last evaluated: 2022-10-04. Review status: criteria provided, single submitter. Criteria: Invitae Variant Classification Sherloc (09022015). Collection method: clinical testing. Allele origin: germline.
Comment: This variant has not been reported in the literature in individuals affected with RFWD3-related conditions. This variant is present in population databases (rs775103807, gnomAD 0.01%). This sequence change replaces histidine, which is basic and polar, with tyrosine, which is neutral and polar, at codon 16 of the RFWD3 protein (p.His16Tyr). Algorithms developed to predict the effect of missense changes on protein structure and function (SIFT, PolyPhen-2, Align-GVGD) all suggest that this variant is likely to be tolerated. In summary, the available evidence is currently insufficient to determine the role of this variant in disease. Therefore, it has been classified as a Variant of Uncertain Significance.